The following is an entry in ClinVar:

NM_005245.4(FAT1):c.10487T>C (p.Val3496Ala)

Gene: FAT1 (FAT atypical cadherin 1; minus strand). Cytogenetic location: 4q35.2.
Variant type: single nucleotide variant.
Coding change: c.10487T>C on transcript NM_005245.4 (MANE Select); coding-DNA position 10487, T replaced by C.
Protein change: p.Val3496Ala; replaces valine 3496 with alanine.
Molecular consequence: missense variant.
Genome position (GRCh38, 1-based): chr4:186,604,438, A>G on the plus strand (T>C on the coding strand, the complement: FAT1 is on the minus strand). VCF-style: chr4-186604438-A-G. GRCh37 (hg19) VCF-style: chr4-187525592-A-G.
Other names: p.Val3496Ala; short protein forms V3496A.
Identifiers: ClinVar variation 791994 (VCV000791994.14), dbSNP rs35216841, ClinGen allele CA3165346.
Genomic context (GRCh38, chr4:186,604,438, plus strand): 5'-TTCACCTGCAGTAAGTAATGATCTTTCTCCTTCCTCTTGATGGCAGATGATGTCAGGAGG[A>G]CTCCTTGCGGGTTAACTTCAAAAGCCTTCTCATCATTTCCAGTTACAATAGTAAAGAAGA-3'
Protein context (NP_005236.2, residues 3486-3506): EKAFEVNPQG[Val3496Ala]LLTSSAIKRK

ClinVar aggregate classification (germline): Benign/Likely benign. Review status: criteria provided, multiple submitters, no conflicts (2 of 4 stars). 5 submissions from 5 submitters: Benign (2); Likely benign (2). 1 of the submissions does not count toward it. Last evaluated 2026-01-27.

Allele frequency attached by ClinVar (database versions not stated): gnomAD exomes 0.00108 and 0.00277; ExAC 0.00313; ESP Exome Variant Server 0.00931; gnomAD 0.01037 and 0.01126; 1000 Genomes Project 0.01078; TOPMed 0.01157; 1000 Genomes Project 30x 0.01234.
gnomAD v4.1: 3,267 of 1,613,692 alleles (0.2%); highest among the groups gnomAD compares: African/African-American, 3.5%; 47 homozygotes.

Submissions (5):

Labcorp Genetics (formerly Invitae), Labcorp
Classification: Benign. Last evaluated: 2026-01-27. Review status: criteria provided, single submitter. Criteria: Invitae Variant Classification Sherloc (09022015). Collection method: clinical testing. Allele origin: germline.

Mayo Clinic Laboratories, Mayo Clinic
Classification: Benign. Last evaluated: 2023-08-14. Review status: criteria provided, single submitter. Criteria: ACMG Guidelines, 2015. Collection method: clinical testing. Allele origin: germline. Observed: 3 variant alleles.
Comment: BS1, BS2, BP4

GeneDx
Classification: Likely benign. Last evaluated: 2023-04-27. Review status: criteria provided, single submitter. Criteria: GeneDx Variant Classification Process June 2021. Collection method: clinical testing. Allele origin: germline. Affected: yes.
Comment: See Variant Classification Assertion Criteria.

Breakthrough Genomics
Classification: Likely benign. Review status: criteria provided, single submitter. Criteria: ACMG Guidelines, 2015. Collection method: not provided. Allele origin: germline. Inheritance: Unknown mechanism. Affected: yes.

Department of Pathology and Laboratory Medicine, Sinai Health System
Classification: Likely benign. Review status: no assertion criteria provided. Collection method: clinical testing. Allele origin: unknown. Affected: yes. Study: The Canadian Open Genetics Repository (COGR). Not counted in ClinVar's aggregate classification.
Comment: The FAT1 p.Val3496Ala variant was not identified in the literature nor was it identified in ClinVar, Cosmic or LOVD 3.0. The variant was identified in dbSNP (ID: rs35216841) and in control databases in 986 of 280574 chromosomes (15 homozygous) at a frequency of 0.003514 increasing the likelihood this could be a low frequency benign variant (Genome Aggregation Database Feb 27, 2017). The variant was observed in the following populations: African in 830 of 24174 chromosomes (freq: 0.03433), Latino in 95 of 35364 chromosomes (freq: 0.002686), Other in 18 of 7138 chromosomes (freq: 0.002522), European (non-Finnish) in 40 of 128400 chromosomes (freq: 0.000312), South Asian in 2 of 30594 chromosomes (freq: 0.000065) and European (Finnish) in 1 of 25022 chromosomes (freq: 0.00004), while the variant was not observed in the Ashkenazi Jewish and East Asian populations. The p.Val3496 residue is not conserved in mammals and four out of five computational analyses (PolyPhen-2, SIFT, AlignGVGD, BLOSUM) do not suggest a high likelihood of impact to the protein; however, this information is not predictive enough to rule out pathogenicity. The variant occurs outside of the splicing consensus sequence and in silico or computational prediction software programs (SpliceSiteFinder, MaxEntScan, NNSPLICE, GeneSplicer) do not predict a difference in splicing. In summary, based on the above information the clinical significance of this variant cannot be determined with certainty at this time although we would lean towards a more benign role for this variant. This variant is classified as likely benign.